The following is an entry in ClinVar:

ClinVar aggregate classification (germline): Likely pathogenic. Review status: criteria provided, single submitter (1 of 4 stars). 2 submissions from 2 submitters: Likely pathogenic (1). 1 of the submissions does not count toward it. Last evaluated 2016-12-22.

Conditions:
Gastric cancer. Also called: Malignant tumor of stomach; Stomach cancer. Identifiers: MedGen C0024623, MeSH D013274, MONDO:0001056, OMIM 613659, HP:0012126.
Hereditary cancer-predisposing syndrome. Also called: Tumor predisposition; Neoplastic Syndromes, Hereditary; Hereditary Cancer Syndrome; Hereditary neoplastic syndrome. Identifiers: Orphanet 140162, MedGen C0027672, MeSH D009386, MONDO:0015356.

Submissions (2):

Ambry Genetics
Classification: Likely pathogenic for Hereditary cancer-predisposing syndrome. Last evaluated: 2016-12-22. Review status: criteria provided, single submitter. Criteria: Ambry Variant Classification Scheme 2023. Collection method: clinical testing. Allele origin: germline.
Comment: The c.3577-1G>A intronic variant results from a G to A substitution one nucleotide upstream from coding exon 24 of the ATM gene. This nucleotide position is highly conserved in available vertebrate species. Using the BDGP and ESEfinder splice site prediction tools, this alteration is predicted to abolish the native splice acceptor site; however, direct evidence is unavailable. Alterations that disrupt the canonical splice site are expected to cause aberrant splicing, resulting in an abnormal protein or a transcript that is subject to nonsense-mediated mRNA decay. As such, this alteration is classified as likely pathogenic.

Laboratory for Genotyping Development, RIKEN
Classification: Pathogenic for Gastric cancer. Last evaluated: 2021-07-01. Review status: no assertion criteria provided. Collection method: research. Allele origin: germline. Not counted in ClinVar's aggregate classification.

Literature cited by the submitters: PubMed 36988593 (cited by Laboratory for Genotyping Development, RIKEN).

NM_000051.4(ATM):c.3577-1G>A

Gene: ATM (ATM serine/threonine kinase; plus strand). Cytogenetic location: 11q22.3.
Variant type: single nucleotide variant.
Coding change: c.3577-1G>A on transcript NM_000051.4 (MANE Select); the canonical splice acceptor site of the intron before coding-DNA position 3577, G replaced by A.
Molecular consequence: splice acceptor variant.
Genome position (GRCh38, 1-based): chr11:108,282,709, G>A. VCF-style: chr11-108282709-G-A. GRCh37 (hg19) VCF-style: chr11-108153436-G-A.
Other names: c.3577-1G>A (NM_001351834.2).
Identifiers: ClinVar variation 1732833 (VCV001732833.20), dbSNP rs1057517226, ClinGen allele CA382522415.